The following is an entry in ClinVar:

NM_004004.6(GJB2):c.568_571del (p.Val190fs)

Gene: GJB2 (gap junction protein beta 2; minus strand). Cytogenetic location: 13q12.11.
Variant type: Deletion.
Coding change: c.568_571del on transcript NM_004004.6 (MANE Select); coding-DNA positions 568 to 571, 4 bases deleted (GTCT; older notation c.568_571delGTCT).
Protein change: p.Val190fs; shifts the reading frame from valine 190.
Molecular consequence: frameshift variant.
Genome position (GRCh38, 1-based): chr13:20,189,011-20,189,014, AGAC deleted on the plus strand (GTCT on the coding strand, the reverse complement: GJB2 is on the minus strand); deleting any 4 consecutive bases within chr13:20,189,011-20,189,016 gives the same sequence; the c. name uses the placement nearest the transcript's 3' end. VCF-style (leftmost placement, unchanged base first): chr13-20189010-AAGAC-A. GRCh37 (hg19) VCF-style: chr13-20763149-AAGAC-A.
Other names: short protein forms V190fs.
Identifiers: ClinVar variation 2853623 (VCV002853623.3), dbSNP rs2500249538, ClinGen allele CA2622252268.

ClinVar aggregate classification (germline): Pathogenic (1 of 4 stars; one submission).

Submission:

Labcorp Genetics (formerly Invitae), Labcorp
Classification: Pathogenic. Last evaluated: 2023-04-08. Review status: criteria provided, single submitter. Criteria: Invitae Variant Classification Sherloc (09022015). Collection method: clinical testing. Allele origin: germline.
Comment: This variant disrupts a region of the GJB2 protein in which other variant(s) (p.Leu213*) have been determined to be pathogenic (PMID: 23141775). This suggests that this is a clinically significant region of the protein, and that variants that disrupt it are likely to be disease-causing. For these reasons, this variant has been classified as Pathogenic. This variant has not been reported in the literature in individuals affected with GJB2-related conditions. This variant is not present in population databases (gnomAD no frequency). This sequence change creates a premature translational stop signal (p.Val190Serfs*5) in the GJB2 gene. While this is not anticipated to result in nonsense mediated decay, it is expected to disrupt the last 37 amino acid(s) of the GJB2 protein.

Literature cited by the submitters: PubMed 23141775.